The following is an entry in ClinVar:

ClinVar aggregate classification (germline): Likely pathogenic. Review status: criteria provided, multiple submitters, no conflicts (2 of 4 stars). 2 submissions from 2 submitters: Likely pathogenic (2). Last evaluated 2025-08-13.

Conditions:
Primary familial dilated cardiomyopathy (FDC). Also called: Hypokinetic dilated cardiomyopathy, familial; Familial dilated cardiomyopathy. Identifiers: Orphanet 217607, MedGen C0340427, MONDO:0016333.
Dilated cardiomyopathy 1G (CMD1G). Identifiers: Orphanet 154, MedGen C1858763, MONDO:0011400, OMIM 604145.
Autosomal recessive limb-girdle muscular dystrophy type 2J (LGMDR10). Also called: Limb-girdle muscular dystrophy, type 2J; MUSCULAR DYSTROPHY, LIMB-GIRDLE, AUTOSOMAL RECESSIVE 10. Identifiers: Orphanet 140922, MedGen C1837342, MONDO:0012127, OMIM 608807.

Allele frequency attached by ClinVar (database versions not stated): TOPMed 0.00002.

Submissions (2):

Labcorp Genetics (formerly Invitae), Labcorp
Classification: Likely pathogenic for Dilated cardiomyopathy 1G; Autosomal recessive limb-girdle muscular dystrophy type 2J. Last evaluated: 2025-08-13. Review status: criteria provided, single submitter. Criteria: Invitae Variant Classification Sherloc (09022015). Collection method: clinical testing. Allele origin: germline.
Comment: This sequence change affects an acceptor splice site in intron 166 of the TTN gene. It is expected to disrupt RNA splicing and likely results in a truncated or disrupted TTN protein. This variant is not present in population databases (gnomAD no frequency). This variant has not been reported in the literature in individuals affected with TTN-related conditions. ClinVar contains an entry for this variant (Variation ID: 1321432). Algorithms developed to predict the effect of sequence changes on RNA splicing suggest that this variant may disrupt the consensus splice site. This variant is located in the I band of TTN (PMID: 25589632). Truncating variants in this region have been reported in individuals affected with autosomal recessive centronuclear myopathy (PMID: 23975875, internal data). Truncating variants in this region have also been identified in individuals affected with autosomal dominant dilated cardiomyopathy and/or cardio-related conditions (PMID: 27869827, 32964742, internal data). In summary, the currently available evidence indicates that the variant is pathogenic, but additional data are needed to prove that conclusively. Therefore, this variant has been classified as Likely Pathogenic.

Women's Health and Genetics/Laboratory Corporation of America, LabCorp
Classification: Likely pathogenic for Primary familial dilated cardiomyopathy. Last evaluated: 2025-01-16. Review status: criteria provided, single submitter. Criteria: LabCorp Variant Classification Summary - May 2015. Collection method: clinical testing. Allele origin: germline.
Comment: Variant summary: TTN c.31484-1683G>C is located at a position not widely known to affect splicing. This variant corresponds to c.36119-1G>C in NM_001267550. Loss of function variants in all TTN bands are strongly associated with a spectrum of autosomal recessive titinopathies when exon expression (proportion spliced in, PSI, 1=complete expression) in skeletal muscle is >0.1 (PMID: 36977548, 39198997, 29598826, 32778822, 29691892, 33449170, 36977548, internal data). In contrast, loss of function variants in all TTN bands are only strongly associated with autosomal dominant TTN-related cardiomyopathies if located in exons constitutively expressed (PSI >0.9) in cardiac muscle, excluding extreme C-terminal exons 359-363 (PMID: 25589632, 31216868, 32964742, 34662387, 27869827, Shetty et al., Nat Cardiovasc Res 2024,, internal data). This variant has a maximum skeletal muscle PSI of 0.605 and a maximum cardiac muscle PSI of 0.030. Several computational tools predict a significant impact on normal splicing: Two predict the variant abolishes a 3' acceptor site. One predicts the variant creates a 3' acceptor site. However, these predictions have yet to be confirmed by functional studies. The variant was absent in 240506 control chromosomes. To our knowledge, no occurrence of c.31484-1683G>C in individuals affected with TTN-related conditions and no experimental evidence demonstrating its impact on protein function have been reported. ClinVar contains an entry for this variant (Variation ID: 1321432). Based on the evidence outlined above, the variant was classified as likely pathogenic for autosomal recessive TTN-related conditions.

Literature cited by the submitters: PubMed 25589632 (cited by Labcorp Genetics (formerly Invitae), Labcorp); PubMed 23975875 (cited by Labcorp Genetics (formerly Invitae), Labcorp); PubMed 27869827 (cited by Labcorp Genetics (formerly Invitae), Labcorp); PubMed 32964742 (cited by Labcorp Genetics (formerly Invitae), Labcorp).

NM_001267550.2(TTN):c.36119-1G>C

Gene: TTN (titin; minus strand). Cytogenetic location: 2q31.2.
Variant type: single nucleotide variant.
Coding change: c.36119-1G>C on transcript NM_001267550.2 (MANE Select); the canonical splice acceptor site of the intron before coding-DNA position 36119, G replaced by C.
Molecular consequence: splice acceptor variant. On other transcripts: intron variant (5).
Genome position (GRCh38, 1-based): chr2:178,664,738, C>G on the plus strand (G>C on the coding strand, the complement: TTN is on the minus strand). VCF-style: chr2-178664738-C-G. GRCh37 (hg19) VCF-style: chr2-179529465-C-G.
Other names: c.13283-22421G>C (NM_003319.4); c.13859-22421G>C (NM_133437.4); c.13658-22421G>C (NM_133432.3); c.31484-1683G>C (NM_133378.4); c.34265-1683G>C (NM_001256850.1).
Identifiers: ClinVar variation 1321432 (VCV001321432.8), dbSNP rs1239720687, ClinGen allele CA349501512.
Genomic context (GRCh38, chr2:178,664,738, plus strand): 5'-TTCTGAGAGGAACCACAAGCGTTTTCTTTTCAGGGACAATTTCTTGGAGAGCTTCAGGCA[C>G]TTTAAGAAATTAGTAGTTTTATGTTTAGTGTTATGCAGATAACTAGGAATAGCAAAAATA-3'